The following is an entry in ClinVar:

ClinVar aggregate classification (germline): Conflicting classifications of pathogenicity. Review status: criteria provided, conflicting classifications (1 of 4 stars). 3 submissions from 3 submitters: Uncertain significance (1); Likely benign (2). Last evaluated 2025-05-16.

Conditions:
Proteinuria, chronic benign. Identifiers: MedGen C5394384, MONDO:0030042, OMIM 618884.
Imerslund-Grasbeck syndrome type 1 (IGS1). Also called: MEGALOBLASTIC ANEMIA, 1; Megaloblastic anemia 1, Finnish type; Imerslund-Gräsbeck syndrome 1. Identifiers: MedGen C4016819, MONDO:0100156, OMIM 261100.
Imerslund-Grasbeck syndrome. Also called: ENTEROCYTE COBALAMIN MALABSORPTION; ENTEROCYTE INTRINSIC FACTOR RECEPTOR, DEFECT OF; PERNICIOUS ANEMIA, JUVENILE, DUE TO SELECTIVE INTESTINAL MALABSORPTION OF VITAMIN B12, WITH PROTEINURIA; Imerslund-Gräsbeck syndrome; Megaloblastic anemia due to inborn errors of metabolism. Identifiers: Orphanet 35858, MedGen C4551825, MONDO:0009853.

Allele frequency attached by ClinVar (database versions not stated): TOPMed 0.00003; ExAC 0.00002; gnomAD exomes 0.00004 and 0.00005; gnomAD 0.00002.
gnomAD v4.1: 63 of 1,613,328 alleles (0.0039%); highest among the groups gnomAD compares: South Asian, 0.0066%; no homozygotes.

Submissions (3):

Mayo Clinic Laboratories, Mayo Clinic
Classification: Likely benign. Last evaluated: 2025-05-16. Review status: criteria provided, single submitter. Criteria: ACMG Guidelines, 2015. Collection method: clinical testing. Allele origin: germline. Observed: 1 variant allele.
Comment: BP4, BP7

Labcorp Genetics (formerly Invitae), Labcorp
Classification: Likely benign for Imerslund-Grasbeck syndrome. Last evaluated: 2024-04-25. Review status: criteria provided, single submitter. Criteria: Invitae Variant Classification Sherloc (09022015). Collection method: clinical testing. Allele origin: germline.

Fulgent Genetics
Classification: Uncertain significance for Imerslund-Grasbeck syndrome type 1; Proteinuria, chronic benign. Last evaluated: 2024-01-12. Review status: criteria provided, single submitter. Criteria: ACMG Guidelines, 2015. Collection method: clinical testing. Allele origin: germline.

NM_001081.4(CUBN):c.6125-5C>T

Gene: CUBN (cubilin; minus strand). Cytogenetic location: 10p13.
Variant type: single nucleotide variant.
Coding change: c.6125-5C>T on transcript NM_001081.4 (MANE Select); 5 bases into the intron before coding-DNA position 6125, C replaced by T.
Molecular consequence: intron variant.
Genome position (GRCh38, 1-based): chr10:16,928,308, G>A on the plus strand (C>T on the coding strand, the complement: CUBN is on the minus strand). VCF-style: chr10-16928308-G-A. GRCh37 (hg19) VCF-style: chr10-16970307-G-A.
Other names: p.?.
Identifiers: ClinVar variation 738086 (VCV000738086.7), dbSNP rs767744034, ClinGen allele CA5423791.
Genomic context (GRCh38, chr10:16,928,308, plus strand): 5'-CCCAGGGATCTCTCTGCCACAGAGAACTGCTAGCTGCTGGGCCAAGTTATTATCTCCTAC[G>A]TTGAAAGAAAGGGAACAACATGAAAATACATCTTGAGAATCTACTCTACAATCATTTGCA-3'